The following is an entry in ClinVar:

NM_000518.5(HBB):c.230del (p.Ala77fs)

Genes: HBB (hemoglobin subunit beta; minus strand), LOC106099062 (HBB recombination region; plus strand), LOC107133510 (origin of replication at HBB; plus strand). Cytogenetic location: 11p15.4.
Variant type: Deletion.
Coding change: c.230del on transcript NM_000518.5 (MANE Select); coding-DNA position 230, one base deleted (C; older notation c.230delC).
Protein change: p.Ala77fs; shifts the reading frame from alanine 77.
Molecular consequence: frameshift variant.
Genome position (GRCh38, 1-based): chr11:5,226,662, G deleted on the plus strand (C on the coding strand, the reverse complement: HBB is on the minus strand). VCF-style (leftmost placement, unchanged base first): chr11-5226661-AG-A. GRCh37 (hg19) VCF-style: chr11-5247891-AG-A.
Other names: CD 76 (-C); c.230delC (NM_000518.5); short protein forms A77fs.
Identifiers: ClinVar variation 15420 (VCV000015420.20), dbSNP rs281864901, ClinGen allele CA125287.
Genomic context (GRCh38, chr11:5,226,661, plus strand): 5'-CAGCTTGTCACAGTGCAGCTCACTCAGTGTGGCAAAGGTGCCCTTGAGGTTGTCCAGGTG[AG>A]CCAGGCCATCACTAAAGGCACCGAGCACTTTCTTGCCATGAGCCTTCACCTTAGGGTTGC-3'

ClinVar aggregate classification (germline): Pathogenic. Review status: criteria provided, multiple submitters, no conflicts (2 of 4 stars). 9 submissions from 9 submitters: Pathogenic (6). 3 of the submissions do not count toward it. Last evaluated 2025-07-24.

Conditions:
beta Thalassemia (BTHAL). Also called: Cooley's anemia; Erythroblastic anemia; Mediterranean anemia. Identifiers: Orphanet 848, MedGen C0005283, MONDO:0019402. Disease mechanism: loss of function.
Beta zero thalassemia. Identifiers: MedGen C0271980.
HBB-related disorder. Also called: HBB-related condition; HBB-related disorders. Identifiers: MedGen CN239378.

Submissions (9):

Natera, Inc.
Classification: Pathogenic for Beta thalassemia. Last evaluated: 2025-07-24. Review status: criteria provided, single submitter. Criteria: Natera Variant Classification Schema (03/2026). Collection method: clinical testing. Allele origin: germline.
Comment: The c.230delC variant in HBB is a frameshift variant predicted to shift the reading frame beginning at codon 77 and leads to a stop codon 13 codons downstream. This variant is expected to result in nonsense mediated decay, truncation, or a dysfunctional protein product. This variant is rare in the general population with a frequency below the threshold expected for the associated phenotype(s). This variant has been observed in one or more individuals affected with the associated recessive disease, as either homozygous or compound heterozygous with a second variant (PMID: 22983591). Given the available evidence, this variant is classified as Pathogenic.

ARUP Laboratories, Molecular Genetics and Genomics, ARUP Laboratories
Classification: Pathogenic. Last evaluated: 2024-09-23. Review status: criteria provided, single submitter. Criteria: ARUP Molecular Germline Variant Investigation Process 2024. Collection method: clinical testing. Allele origin: germline.
Comment: The HBB c.230del; p.Ala77ValfsTer13 variant (also known as Codon 76 (-C) or as Ala76fs when numbered from the mature protein, rs281864901, HbVar ID: 874) is a beta(0) allele reported in the heterozygous state in individuals with microcytic anemia and in the homozygous or compound heterozygous state in individuals with beta-thalassemia major (Danjou 2012, Giambona 2011, Harteveld 2013, HbVar databases and references therein). This variant is absent from the Genome Aggregation Database (v2.1.1), indicating it is not a common polymorphism. This variant causes a frameshift by deleting a single nucleotide, so it is predicted to result in a truncated protein or mRNA subject to nonsense-mediated decay. Based on available information, this variant is considered to be pathogenic. References: Link to HbVar database: Danjou F et al. Genetic modifiers of beta-thalassemia and clinical severity as assessed by age at first transfusion. Haematologica. 2012 Jul;97(7):989-93. PMID: 22271886. Giambona A et al. The genetic heterogeneity of beta-globin gene defects in Sicily reflects the historic population migrations of the island. Blood Cells Mol Dis. 2011 Apr 15;46(4):282-7. PMID: 21353607. Harteveld CL et al. Mosaic segmental uniparental isodisomy and progressive clonal selection: a common mechanism of late onset beta-thalassemia major. Haematologica. 2013 May;98(5):691-5. PMID: 22983591.

Labcorp Genetics (formerly Invitae), Labcorp
Classification: Pathogenic. Last evaluated: 2024-01-21. Review status: criteria provided, single submitter. Criteria: Invitae Variant Classification Sherloc (09022015). Collection method: clinical testing. Allele origin: germline.
Comment: This sequence change creates a premature translational stop signal (p.Ala77Valfs*13) in the HBB gene. It is expected to result in an absent or disrupted protein product. Loss-of-function variants in HBB are known to be pathogenic (PMID: 23637309). This variant is not present in population databases (gnomAD no frequency). This premature translational stop signal has been observed in individual(s) with HBB-related conditions (PMID: 3408672, 26076395). ClinVar contains an entry for this variant (Variation ID: 15420). For these reasons, this variant has been classified as Pathogenic.

Blueprint Genetics
Classification: Pathogenic for HBB-related disorders. Last evaluated: 2022-04-01. Review status: criteria provided, single submitter. Criteria: ACMG Guidelines, 2015. Collection method: clinical testing. Allele origin: germline. Affected: yes. Observed: 1 variant allele.

Quest Diagnostics Nichols Institute San Juan Capistrano
Classification: Pathogenic. Last evaluated: 2017-06-30. Review status: criteria provided, single submitter. Criteria: Quest Diagnostics criteria. Collection method: clinical testing. Allele origin: germline.

Women's Health and Genetics/Laboratory Corporation of America, LabCorp
Classification: Pathogenic for beta Thalassemia. Last evaluated: 2016-08-16. Review status: criteria provided, single submitter. Criteria: LabCorp Variant Classification Summary - May 2015. Collection method: clinical testing. Allele origin: germline.
Comment: Variant summary: The HBB c.230delC (p.Ala77Valfs) variant results in a premature termination codon, predicted to cause a truncated or absent HBB protein due to nonsense mediated decay, which are commonly known mechanisms for disease. The variant of interest was found in controls at an allele frequency of 1/121392, which does not exceed the estimated maximal expected allele frequency for a pathogenic HBB variant of 1/89 (0.0111803). The variant of interest has been reported in multiple affected individuals via publications, along with reputable databases/clinical laboratories citing the variant as "pathogenic/likely pathogenic." Therefore, the variant of interest has been classified as Pathogenic.

The ITHANET community portal, The Cyprus Institute of Neurology and Genetics
Classification: Pathogenic for beta Thalassemia. Last evaluated: 2019-11-25. Review status: no assertion criteria provided. Collection method: curation. Allele origin: germline. Not counted in ClinVar's aggregate classification.

Counsyl
Classification: Likely pathogenic for beta Thalassemia. Last evaluated: 2014-07-23. Review status: no assertion criteria provided. Collection method: literature only. Allele origin: unknown. Inheritance: Autosomal recessive inheritance. Not counted in ClinVar's aggregate classification.

OMIM
Classification: Pathogenic for BETA-ZERO-THALASSEMIA. Last evaluated: 1992-02-01. Review status: no assertion criteria provided. Collection method: literature only. Allele origin: germline. Not counted in ClinVar's aggregate classification.

Literature cited by the submitters: PubMed 22983591 (cited by 3 submitters); PubMed 23637309 (cited by Labcorp Genetics (formerly Invitae), Labcorp); PubMed 3408672 (cited by 5 submitters); PubMed 26076395 (cited by 3 submitters); PubMed 7759073 (cited by 4 submitters); PubMed 1734721 (cited by 4 submitters); PubMed 22271886 (cited by 3 submitters); PubMed 7558879 (cited by 3 submitters); PubMed 25480500 (cited by Quest Diagnostics Nichols Institute San Juan Capistrano); PubMed 20704537 (cited by Women's Health and Genetics/Laboratory Corporation of America, LabCorp); PubMed 4749206 (cited by OMIM).